The following is an entry in ClinVar:

ClinVar aggregate classification (germline): Uncertain significance (1 of 4 stars; one submission).

Submission:

Labcorp Genetics (formerly Invitae), Labcorp
Classification: Uncertain significance. Last evaluated: 2025-03-17. Review status: criteria provided, single submitter. Criteria: Invitae Variant Classification Sherloc (09022015). Collection method: clinical testing. Allele origin: germline.
Comment: This variant, c.250_252del, results in the deletion of 1 amino acid(s) of the EGF protein (p.Asn84del), but otherwise preserves the integrity of the reading frame. This variant is not present in population databases (gnomAD no frequency). This variant has not been reported in the literature in individuals affected with EGF-related conditions. Experimental studies and prediction algorithms are not available or were not evaluated, and the functional significance of this variant is currently unknown. In summary, the available evidence is currently insufficient to determine the role of this variant in disease. Therefore, it has been classified as a Variant of Uncertain Significance.

NM_001963.6(EGF):c.250_252del (p.Asn84del)

Gene: EGF (epidermal growth factor; plus strand). Cytogenetic location: 4q25.
Variant type: Deletion.
Coding change: c.250_252del on transcript NM_001963.6 (MANE Select); coding-DNA positions 250 to 252, 3 bases deleted (AAT; older notation c.250_252delAAT).
Protein change: p.Asn84del; deletes asparagine 84.
Genome position (GRCh38, 1-based): chr4:109,941,068-109,941,070, AAT deleted; deleting any 3 consecutive bases within chr4:109,941,066-109,941,070 gives the same sequence; the c. name uses the placement nearest the transcript's 3' end. VCF-style (leftmost placement, unchanged base first): chr4-109941065-TATA-T. GRCh37 (hg19) VCF-style: chr4-110862221-TATA-T.
Other names: c.250_252del, p.Asn84del (NM_001357021.2, NM_001178130.3, NM_001178131.3); short protein forms N84del.
Identifiers: ClinVar variation 3632764 (VCV003632764.2).